The following is an entry in ClinVar:

ClinVar aggregate classification (germline): Pathogenic (1 of 4 stars; one submission).

Conditions:
Hematuria. Identifiers: MedGen C0018965, HP:0000790.

Submission:

Genetics Laboratory, Great Ormond Street Hospital NHS Foundation Trust, North Thames Genomic Laboratory Hub
Classification: Pathogenic for Haematuria. Last evaluated: 2026-02-26. Review status: criteria provided, single submitter. Criteria: ACGS Best Practice Guidelines for Variant Classification in Rare Disease 2024 v1.2. Collection method: clinical testing. Allele origin: germline. Affected: yes.
Comment: PM2_moderate, PVS1_very-strong

NM_000092.5(COL4A4):c.1452_1459+1del

Gene: COL4A4 (collagen type IV alpha 4 chain; minus strand). Cytogenetic location: 2q36.3.
Variant type: Deletion.
Coding change: c.1452_1459+1del on transcript NM_000092.5 (MANE Select); coding-DNA position 1452 through the canonical splice donor site of the intron after coding-DNA position 1459, 9 bases deleted (AGAAAAAGG; older notation c.1452_1459+1delAGAAAAAGG).
Molecular consequence: splice donor variant.
Genome position (GRCh38, 1-based): chr2:227,089,867-227,089,875, CCTTTTTCT deleted on the plus strand (AGAAAAAGG on the coding strand, the reverse complement: COL4A4 is on the minus strand); deleting any 9 consecutive bases within chr2:227,089,867-227,089,881 gives the same sequence; the c. name uses the placement nearest the transcript's 3' end. VCF-style (leftmost placement, unchanged base first): chr2-227089866-GCCTTTTTCT-G. GRCh37 (hg19) VCF-style: chr2-227954582-GCCTTTTTCT-G.
Identifiers: ClinVar variation 4845304 (VCV004845304.1).